The following is an entry in ClinVar:

ClinVar aggregate classification (germline): Likely pathogenic (1 of 4 stars; one submission).

Conditions:
Lesch-Nyhan syndrome (LNS). Also called: HPRT DEFICIENCY, COMPLETE; Lesch-Nyhan Disease (LND). Identifiers: Orphanet 510, MedGen C0023374, MONDO:0010298, OMIM 300322.

Submission:

Gemeinschaftspraxis fuer Humangenetik Dresden
Classification: Likely pathogenic for Lesch-Nyhan syndrome. Last evaluated: 2025-10-15. Review status: criteria provided, single submitter. Criteria: ACMG Guidelines, 2015. Collection method: clinical testing. Allele origin: germline. Inheritance: X-linked recessive inheritance. Affected: no.
Comment: The variant c.238G>T, p.(Asp80Tyr) is not reported in HGMD 2025.3, gnomAD (v4.1), dbSNP (v154) or LOVD (we submitted there) (PM2). But at the same amino acid position, the variant c.239A>T, p.(Asp80Val) is already listed as pathogenic for Hypoxanthine guanine phosphoribosyltransferase deficiency in the HGMD database (PM5). The in silico prediction tools PolyPhen-2, SIFT, AGVGD, and MutationTaster classify the sequence variant as disease-causing (PP3). There was no evidence of altered splicing. The affected nucleotide and amino acid residue are highly conserved phylogenetically. HPRT1 has a low rate of benign missense mutations and these mutations are a common mechanism of a Hypoxanthine guanine phosphoribosyltransferase deficiency (PP2).

NM_000194.3(HPRT1):c.238G>T (p.Asp80Tyr)

Gene: HPRT1 (hypoxanthine phosphoribosyltransferase 1; plus strand). Cytogenetic location: Xq26.2.
Variant type: single nucleotide variant.
Coding change: c.238G>T on transcript NM_000194.3 (MANE Select); coding-DNA position 238, G replaced by T.
Protein change: p.Asp80Tyr; replaces aspartic acid 80 with tyrosine.
Molecular consequence: missense variant.
Genome position (GRCh38, 1-based): chrX:134,475,284, G>T. VCF-style: chrX-134475284-G-T. GRCh37 (hg19) VCF-style: chrX-133609314-G-T.
Other names: short protein forms D80Y.
Identifiers: ClinVar variation 4526884 (VCV004526884.1).